The following is an entry in ClinVar:

NM_003172.4(SURF1):c.898G>A (p.Val300Met)

Gene: SURF1 (SURF1 cytochrome c oxidase assembly factor; minus strand). Cytogenetic location: 9q34.2.
Variant type: single nucleotide variant.
Coding change: c.898G>A on transcript NM_003172.4 (MANE Select); coding-DNA position 898, G replaced by A.
Protein change: p.Val300Met; replaces valine 300 with methionine.
Molecular consequence: missense variant.
Genome position (GRCh38, 1-based): chr9:133,351,918, C>T on the plus strand (G>A on the coding strand, the complement: SURF1 is on the minus strand). VCF-style: chr9-133351918-C-T. GRCh37 (hg19) VCF-style: chr9-136218773-C-T.
Other names: c.571G>A, p.Val191Met (NM_001280787.1); short protein forms V191M, V300M.
Identifiers: ClinVar variation 985138 (VCV000985138.7), dbSNP rs782746186, ClinGen allele CA375693294.

ClinVar aggregate classification (germline): Uncertain significance. Review status: criteria provided, multiple submitters, no conflicts (2 of 4 stars). 2 submissions from 2 submitters: Uncertain significance (2). Last evaluated 2022-01-17.

Conditions:
Inborn genetic diseases. Identifiers: MedGen C0950123, MeSH D030342.
Leigh syndrome (NULS). Also called: LEIGH SYNDROME, NUCLEAR; Leigh's syndrome; Leigh Disease; Leigh's necrotizing encephalopathy; Leigh's disease; Subacute necrotizing encephalopathy. Identifiers: Orphanet 506, MedGen C2931891, MONDO:0009723, OMIM 256000.

gnomAD v4.1: 4 of 1,613,646 alleles (0.00025%); highest among the groups gnomAD compares: East Asian, 0.0022%; no homozygotes.

Submissions (2):

Labcorp Genetics (formerly Invitae), Labcorp
Classification: Uncertain significance for Leigh syndrome. Last evaluated: 2022-01-17. Review status: criteria provided, single submitter. Criteria: Invitae Variant Classification Sherloc (09022015). Collection method: clinical testing. Allele origin: germline.
Comment: In summary, the available evidence is currently insufficient to determine the role of this variant in disease. Therefore, it has been classified as a Variant of Uncertain Significance. Algorithms developed to predict the effect of missense changes on protein structure and function output the following: SIFT: "Tolerated"; PolyPhen-2: "Benign"; Align-GVGD: "Class C0". The methionine amino acid residue is found in multiple mammalian species, which suggests that this missense change does not adversely affect protein function. ClinVar contains an entry for this variant (Variation ID: 985138). This variant has not been reported in the literature in individuals affected with SURF1-related conditions. This variant is not present in population databases (gnomAD no frequency). This sequence change replaces valine, which is neutral and non-polar, with methionine, which is neutral and non-polar, at codon 300 of the SURF1 protein (p.Val300Met).

Ambry Genetics
Classification: Uncertain significance for Inborn genetic diseases. Last evaluated: 2018-08-14. Review status: criteria provided, single submitter. Criteria: Ambry exome assertion method (8-5-2015). Collection method: clinical testing. Allele origin: germline. Affected: yes. Observed: 1 variant allele.